The following is an entry in ClinVar:

ClinVar aggregate classification (germline): Uncertain significance (1 of 4 stars; one submission).

Conditions:
Hereditary cancer-predisposing syndrome. Also called: Neoplastic Syndromes, Hereditary; Tumor predisposition; Hereditary neoplastic syndrome; Hereditary Cancer Syndrome. Identifiers: Orphanet 140162, MedGen C0027672, MeSH D009386, MONDO:0015356.

Submission:

Ambry Genetics
Classification: Uncertain significance for Hereditary cancer-predisposing syndrome. Last evaluated: 2026-07-06. Review status: criteria provided, single submitter. Criteria: Ambry Variant Classification Scheme 2023. Collection method: clinical testing. Allele origin: germline.
Comment: The p.D1378A variant (also known as c.4133A>C), located in coding exon 28 of the SMARCA4 gene, results from an A to C substitution at nucleotide position 4133. The aspartic acid at codon 1378 is replaced by alanine, an amino acid with dissimilar properties. This amino acid position is conserved. In addition, this alteration is predicted to be deleterious by in silico analysis. Based on the available evidence, the clinical significance of this variant remains unclear.

NM_003072.5(SMARCA4):c.4133A>C (p.Asp1378Ala)

Gene: SMARCA4 (SWI/SNF related BAF chromatin remodeling complex subunit ATPase 4; plus strand). Cytogenetic location: 19p13.2.
Variant type: single nucleotide variant.
Coding change: c.4133A>C on transcript NM_003072.5 (MANE Select); coding-DNA position 4133, A replaced by C.
Protein change: p.Asp1378Ala; replaces aspartic acid 1378 with alanine.
Molecular consequence: missense variant. On other transcripts: non-coding transcript variant (1).
Genome position (GRCh38, 1-based): chr19:11,035,095, A>C. VCF-style: chr19-11035095-A-C. GRCh37 (hg19) VCF-style: chr19-11145771-A-C.
Other names: c.4133A>C, p.Asp1378Ala (NM_001128844.3, NM_001128849.3, NM_001387283.1); c.4034A>C, p.Asp1345Ala (NM_001128845.2, NM_001128846.2, NM_001128847.4 and 3 more transcripts); short protein forms D1378A, D1345A.
Identifiers: ClinVar variation 5029825 (VCV005029825.1).